The following is an entry in ClinVar:

NM_007289.4(MME):c.1689del (p.Phe564fs)

Gene: MME (membrane metalloendopeptidase; plus strand). Cytogenetic location: 3q25.2.
Variant type: Deletion.
Coding change: c.1689del on transcript NM_007289.4 (MANE Select); coding-DNA position 1689, one base deleted (C; older notation c.1689delC).
Protein change: p.Phe564fs; shifts the reading frame from phenylalanine 564.
Molecular consequence: frameshift variant.
Genome position (GRCh38, 1-based): chr3:155,166,930, C deleted; the last of 6 consecutive C bases (chr3:155,166,925-155,166,930); deleting any one gives the same sequence. VCF-style (leftmost placement, unchanged base first): chr3-155166924-GC-G. GRCh37 (hg19) VCF-style: chr3-154884713-GC-G.
Other names: c.1689del, p.Phe564fs (NM_001354642.2, NM_001354643.1, NM_007287.4 and 2 more transcripts); short protein forms F564fs.
Identifiers: ClinVar variation 3010253 (VCV003010253.3), dbSNP rs749150627, ClinGen allele CA2675604.

ClinVar aggregate classification (germline): Pathogenic (1 of 4 stars; one submission).

Submission:

Labcorp Genetics (formerly Invitae), Labcorp
Classification: Pathogenic. Last evaluated: 2024-10-30. Review status: criteria provided, single submitter. Criteria: Invitae Variant Classification Sherloc (09022015). Collection method: clinical testing. Allele origin: germline.
Comment: This sequence change creates a premature translational stop signal (p.Phe564Serfs*10) in the MME gene. It is expected to result in an absent or disrupted protein product. Loss-of-function variants in MME are known to be pathogenic (PMID: 26991897). This variant is present in population databases (rs770605442, gnomAD 0.0009%). This variant has not been reported in the literature in individuals affected with MME-related conditions. ClinVar contains an entry for this variant (Variation ID: 3010253). For these reasons, this variant has been classified as Pathogenic.

Literature cited by the submitters: PubMed 26991897.